The following is an entry in ClinVar:

ClinVar aggregate classification (germline): Uncertain significance (1 of 4 stars; one submission).

Conditions:
Immunodeficiency 51 (IMD51). Also called: CANDIDIASIS, FAMILIAL, 5. Identifiers: Orphanet 1334, MedGen C4310803, MONDO:0013500, OMIM 613953.

gnomAD v4.1: 1 of 1,613,174 alleles (0.000062%); highest among the groups gnomAD compares: South Asian, 0.0011%; no homozygotes.

Submission:

Labcorp Genetics (formerly Invitae), Labcorp
Classification: Uncertain significance for Immunodeficiency 51. Last evaluated: 2022-11-01. Review status: criteria provided, single submitter. Criteria: Invitae Variant Classification Sherloc (09022015). Collection method: clinical testing. Allele origin: germline.
Comment: This sequence change replaces histidine, which is basic and polar, with asparagine, which is neutral and polar, at codon 747 of the IL17RA protein (p.His747Asn). This variant is not present in population databases (gnomAD no frequency). This variant has not been reported in the literature in individuals affected with IL17RA-related conditions. ClinVar contains an entry for this variant (Variation ID: 542917). Advanced modeling of protein sequence and biophysical properties (such as structural, functional, and spatial information, amino acid conservation, physicochemical variation, residue mobility, and thermodynamic stability) performed at Invitae indicates that this missense variant is not expected to disrupt IL17RA protein function. In summary, the available evidence is currently insufficient to determine the role of this variant in disease. Therefore, it has been classified as a Variant of Uncertain Significance.

NM_014339.7(IL17RA):c.2239C>A (p.His747Asn)

Gene: IL17RA (interleukin 17 receptor A; plus strand). Cytogenetic location: 22q11.1.
Variant type: single nucleotide variant.
Coding change: c.2239C>A on transcript NM_014339.7 (MANE Select); coding-DNA position 2239, C replaced by A.
Protein change: p.His747Asn; replaces histidine 747 with asparagine.
Molecular consequence: missense variant.
Genome position (GRCh38, 1-based): chr22:17,109,458, C>A. VCF-style: chr22-17109458-C-A. GRCh37 (hg19) VCF-style: chr22-17590348-C-A.
Other names: c.2137C>A, p.His713Asn (NM_001289905.2); short protein forms H747N, H713N.
Identifiers: ClinVar variation 542917 (VCV000542917.6), dbSNP rs753883526, ClinGen allele CA410221447.